The following is an entry in ClinVar:

ClinVar aggregate classification (germline): Uncertain significance. Review status: criteria provided, multiple submitters, no conflicts (2 of 4 stars). 2 submissions from 2 submitters: Uncertain significance (2). Last evaluated 2022-09-20.

Conditions:
Hereditary cancer-predisposing syndrome. Also called: Hereditary Cancer Syndrome; Neoplastic Syndromes, Hereditary; Tumor predisposition; Hereditary neoplastic syndrome. Identifiers: Orphanet 140162, MedGen C0027672, MeSH D009386, MONDO:0015356.

Submissions (2):

Labcorp Genetics (formerly Invitae), Labcorp
Classification: Uncertain significance. Last evaluated: 2022-09-20. Review status: criteria provided, single submitter. Criteria: Invitae Variant Classification Sherloc (09022015). Collection method: clinical testing. Allele origin: germline.
Comment: This sequence change replaces alanine, which is neutral and non-polar, with serine, which is neutral and polar, at codon 1225 of the POLE protein (p.Ala1225Ser). This variant is not present in population databases (gnomAD no frequency). This variant has not been reported in the literature in individuals affected with POLE-related conditions. ClinVar contains an entry for this variant (Variation ID: 1021174). Advanced modeling of protein sequence and biophysical properties (such as structural, functional, and spatial information, amino acid conservation, physicochemical variation, residue mobility, and thermodynamic stability) performed at Invitae indicates that this missense variant is not expected to disrupt POLE protein function. In summary, the available evidence is currently insufficient to determine the role of this variant in disease. Therefore, it has been classified as a Variant of Uncertain Significance.

Ambry Genetics
Classification: Uncertain significance for Hereditary cancer-predisposing syndrome. Last evaluated: 2022-07-05. Review status: criteria provided, single submitter. Criteria: Ambry Variant Classification Scheme 2023. Collection method: clinical testing. Allele origin: germline.
Comment: The p.A1225S variant (also known as c.3673G>T), located in coding exon 30 of the POLE gene, results from a G to T substitution at nucleotide position 3673. The alanine at codon 1225 is replaced by serine, an amino acid with similar properties. This amino acid position is conserved. In addition, this alteration is predicted to be tolerated by in silico analysis. Since supporting evidence is limited at this time, the clinical significance of this alteration remains unclear.

NM_006231.4(POLE):c.3673G>T (p.Ala1225Ser)

Gene: POLE (DNA polymerase epsilon, catalytic subunit; minus strand). Cytogenetic location: 12q24.33.
Variant type: single nucleotide variant.
Coding change: c.3673G>T on transcript NM_006231.4 (MANE Select); coding-DNA position 3673, G replaced by T.
Protein change: p.Ala1225Ser; replaces alanine 1225 with serine.
Molecular consequence: missense variant.
Genome position (GRCh38, 1-based): chr12:132,649,799, C>A on the plus strand (G>T on the coding strand, the complement: POLE is on the minus strand). VCF-style: chr12-132649799-C-A. GRCh37 (hg19) VCF-style: chr12-133226385-C-A.
Other names: short protein forms A1225S.
Identifiers: ClinVar variation 1021174 (VCV001021174.11), dbSNP rs2042381066, ClinGen allele CA387386652.